The following is an entry in ClinVar:

ClinVar aggregate classification (germline): Likely pathogenic. Review status: criteria provided, multiple submitters, no conflicts (2 of 4 stars). 2 submissions from 2 submitters: Likely pathogenic (2). Last evaluated 2025-07-23.

Conditions:
BBS12-related disorder. Also called: BBS12-related condition.
Bardet-Biedl syndrome 12 (BBS12). Identifiers: Orphanet 110, MedGen C1859570, MONDO:0014440, OMIM 615989.

Submissions (2):

PreventionGenetics, part of Exact Sciences
Classification: Likely pathogenic for BBS12-related condition. Last evaluated: 2025-07-23. Review status: criteria provided, single submitter. Criteria: ACMG Guidelines, 2015. Collection method: clinical testing. Allele origin: germline.
Comment: The BBS12 c.1482_1485delAGAA variant is predicted to result in a frameshift and premature protein termination (p.Gly496Leufs*34). This variant has not been reported in the literature or in a large population database (gnomAD), indicating this variant is rare. Frameshift variants in BBS12 are expected to be pathogenic. This variant is interpreted as likely pathogenic.

Baylor Genetics
Classification: Likely pathogenic for Bardet-Biedl syndrome 12. Last evaluated: 2022-05-24. Review status: criteria provided, single submitter. Criteria: ACMG Guidelines, 2015. Collection method: clinical testing. Allele origin: unknown.

NM_152618.3(BBS12):c.1482_1485del (p.Gly496fs)

Gene: BBS12 (Bardet-Biedl syndrome 12; plus strand). Cytogenetic location: 4q27.
Variant type: Deletion.
Coding change: c.1482_1485del on transcript NM_152618.3 (MANE Select); coding-DNA positions 1482 to 1485, 4 bases deleted (AGAA; older notation c.1482_1485delAGAA).
Protein change: p.Gly496fs; shifts the reading frame from glycine 496.
Molecular consequence: frameshift variant.
Genome position (GRCh38, 1-based): chr4:122,743,374-122,743,377, AGAA deleted. VCF-style (leftmost placement, unchanged base first): chr4-122743373-CAGAA-C. GRCh37 (hg19) VCF-style: chr4-123664528-CAGAA-C.
Other names: c.1482_1485del, p.Gly496fs (NM_001178007.2); c.1482_1485delAGAA (NM_152618.2); short protein forms G496fs.
Identifiers: ClinVar variation 2680001 (VCV002680001.2), dbSNP rs2485076951, ClinGen allele CA2695198526.